The following is an entry in ClinVar:

ClinVar aggregate classification (germline): Uncertain significance (1 of 4 stars; one submission).

Conditions:
Brachyolmia-amelogenesis imperfecta syndrome. Also called: PLATYSPONDYLY WITH AMELOGENESIS IMPERFECTA; Tooth agenesis, selective, 6; Dental anomalies and short stature. Identifiers: Orphanet 2899, MedGen C1832594, MONDO:0011018, OMIM 601216. Disease mechanism: loss of function.

Submission:

Labcorp Genetics (formerly Invitae), Labcorp
Classification: Uncertain significance for Brachyolmia-amelogenesis imperfecta syndrome. Last evaluated: 2024-04-25. Review status: criteria provided, single submitter. Criteria: Invitae Variant Classification Sherloc (09022015). Collection method: clinical testing. Allele origin: germline.
Comment: This sequence change replaces proline, which is neutral and non-polar, with leucine, which is neutral and non-polar, at codon 698 of the LTBP3 protein (p.Pro698Leu). This variant is not present in population databases (gnomAD no frequency). This variant has not been reported in the literature in individuals affected with LTBP3-related conditions. An algorithm developed to predict the effect of missense changes on protein structure and function (PolyPhen-2) suggests that this variant is likely to be tolerated. In summary, the available evidence is currently insufficient to determine the role of this variant in disease. Therefore, it has been classified as a Variant of Uncertain Significance.

NM_001130144.3(LTBP3):c.2093C>T (p.Pro698Leu)

Gene: LTBP3 (latent transforming growth factor beta binding protein 3; minus strand). Cytogenetic location: 11q13.1.
Variant type: single nucleotide variant.
Coding change: c.2093C>T on transcript NM_001130144.3 (MANE Select); coding-DNA position 2093, C replaced by T.
Protein change: p.Pro698Leu; replaces proline 698 with leucine.
Molecular consequence: missense variant.
Genome position (GRCh38, 1-based): chr11:65,547,453, G>A on the plus strand (C>T on the coding strand, the complement: LTBP3 is on the minus strand). VCF-style: chr11-65547453-G-A. GRCh37 (hg19) VCF-style: chr11-65314924-G-A.
Other names: c.1742C>T, p.Pro581Leu (NM_001164266.1); c.2093C>T, p.Pro698Leu (NM_021070.4); short protein forms P698L, P581L.
Identifiers: ClinVar variation 3631604 (VCV003631604.2).